The following is an entry in ClinVar:

ClinVar aggregate classification (germline): Uncertain significance (1 of 4 stars; one submission).

Conditions:
Hydrocephalus, nonsyndromic, autosomal recessive 2. Also called: Hydrocephalus, congenital, 2, with or without brain or eye anomalies. Identifiers: Orphanet 2185, MedGen C3554691, MONDO:0014085, OMIM 615219.

Submission:

Baylor Genetics
Classification: Uncertain significance for Hydrocephalus, nonsyndromic, autosomal recessive 2. Last evaluated: 2020-03-30. Review status: criteria provided, single submitter. Criteria: ACMG Guidelines, 2015. Collection method: clinical testing. Allele origin: unknown. Affected: yes.
Comment: This variant was determined to be of uncertain significance according to ACMG Guidelines, 2015 [PMID:25741868].

NM_001378778.1(MPDZ):c.5648G>T (p.Ser1883Ile)

Gene: MPDZ (multiple PDZ domain crumbs cell polarity complex component; minus strand). Cytogenetic location: 9p23.
Variant type: single nucleotide variant.
Coding change: c.5648G>T on transcript NM_001378778.1 (MANE Select); coding-DNA position 5648, G replaced by T.
Protein change: p.Ser1883Ile; replaces serine 1883 with isoleucine.
Molecular consequence: missense variant.
Genome position (GRCh38, 1-based): chr9:13,112,100, C>A on the plus strand (G>T on the coding strand, the complement: MPDZ is on the minus strand). VCF-style: chr9-13112100-C-A. GRCh37 (hg19) VCF-style: chr9-13112099-C-A.
Other names: c.5549G>T, p.Ser1850Ile (NM_001261406.2, NM_001375416.1, NM_001375417.1 and 1 more transcripts); c.5462G>T, p.Ser1821Ile (NM_001261407.2, NM_001375419.1); c.5648G>T, p.Ser1883Ile (NM_001330637.2); c.5747G>T, p.Ser1916Ile (NM_001375413.1); c.5438G>T, p.Ser1813Ile (NM_001375420.1, NM_001375421.1, NM_001375422.1 and 2 more transcripts); c.5351G>T, p.Ser1784Ile (NM_001375425.1, NM_001375426.1); c.5240G>T, p.Ser1747Ile (NM_001375427.1); c.5561G>T, p.Ser1854Ile (NM_003829.5); short protein forms S1813I, S1821I, S1883I, S1916I, S1784I, S1850I, S1747I, S1854I.
Identifiers: ClinVar variation 1029764 (VCV001029764.1), dbSNP rs986731225, ClinGen allele CA372941439.
Genomic context (GRCh38, chr9:13,112,100, plus strand): 5'-TGTGCTGCAACTCCAGTTGGGTGCATCATTGCAATAAATATAGGCACATCACCAAGTGGG[C>A]TGCCTACTCCTCCAGCGATGCTGATTCCCAGTGAGTCAGTAGGGCCCTGCCATGGAACAG-3'
Protein context (NP_001365707.1, residues 1873-1893): LGISIAGGVG[Ser1883Ile]PLGDVPIFIA